The following is an entry in ClinVar:

NM_001372.4(DNAH9):c.308dup (p.Leu104fs)

Gene: DNAH9 (dynein axonemal heavy chain 9; plus strand). Cytogenetic location: 17p12.
Variant type: Duplication.
Coding change: c.308dup on transcript NM_001372.4 (MANE Select); coding-DNA position 308, one base duplicated (T; older notation c.308dupT).
Protein change: p.Leu104fs; shifts the reading frame from leucine 104.
Molecular consequence: frameshift variant.
Genome position (GRCh38, 1-based): chr17:11,598,806, T duplicated; the last of 7 consecutive T bases (chr17:11,598,800-11,598,806); duplicating any one gives the same sequence. VCF-style (leftmost placement, unchanged base first): chr17-11598799-C-CT. GRCh37 (hg19) VCF-style: chr17-11502116-C-CT.
Other names: c.308dupT (NM_001372.4, NM_001372.3); c.302dup (NM_001372.4); short protein forms L104fs.
Identifiers: ClinVar variation 523437 (VCV000523437.52), dbSNP rs769795916, ClinGen allele CA8394476.

ClinVar aggregate classification (germline): Pathogenic/Likely pathogenic. Review status: criteria provided, multiple submitters, no conflicts (2 of 4 stars). 15 submissions from 14 submitters: Pathogenic (11); Likely pathogenic (1). 3 of the submissions do not count toward it. Last evaluated 2026-09-10.

Conditions:
Abnormal cardiovascular system morphology. Also called: Abnormality of cardiovascular system morphology. Identifiers: MedGen C4049796, HP:0030680.
Hydrocephalus (HYC). Identifiers: MedGen C0020255, MONDO:0001150, HP:0000238.
DNAH9-related disorder. Also called: DNAH9-related condition.
Ciliary dyskinesia, primary, 40. Also called: CILIARY DYSKINESIA, PRIMARY, 40, WITH OR WITHOUT SITUS INVERSUS. Identifiers: MedGen C4749028, MONDO:0032664, OMIM 618300.

Submissions (15):

PreventionGenetics, part of Exact Sciences
Classification: Pathogenic for DNAH9-related condition. Last evaluated: 2026-09-10. Review status: criteria provided, single submitter. Criteria: ACMG Guidelines, 2015. Collection method: clinical testing. Allele origin: germline.
Comment: The DNAH9 c.308dupT variant is predicted to result in a frameshift and premature protein termination (p.Leu104Profs*45). This variant, along with other variants in DNAH9, has been reported in individuals with laterality defects and cardiac anomalies (Loges et al. 2018. PubMed ID: 30471718; Miletic et al. 2021. PubMed ID: 33963417; reported as c.302dupT, F6-II, Chen et al. 2022. PubMed ID: 35050399; De Jesús-Rojas et al. 2022. PubMed ID: 35626283). Of note, in one case the variant were confirmed to be in the compound heterozygous state (Miletic et al. 2021. PubMed ID: 33963417). This variant is reported in 0.052% of alleles in individuals of European (Non-Finnish) descent in gnomAD. Frameshift variants in DNAH9 are expected to be pathogenic. This variant is interpreted as pathogenic.

GeneDx
Classification: Pathogenic. Last evaluated: 2026-01-05. Review status: criteria provided, single submitter. Criteria: GeneDx Variant Classification Process June 2021. Collection method: clinical testing. Allele origin: germline. Affected: yes.
Comment: Frameshift variant predicted to result in protein truncation or nonsense mediated decay in a gene for which loss of function is a known mechanism of disease; This variant is associated with the following publications: (PMID: 30471718, 34426522, 33963417, 35626283, 35050399, 33610189, 38639421)

Labcorp Genetics (formerly Invitae), Labcorp
Classification: Pathogenic. Last evaluated: 2025-08-20. Review status: criteria provided, single submitter. Criteria: Invitae Variant Classification Sherloc (09022015). Collection method: clinical testing. Allele origin: germline.
Comment: This sequence change creates a premature translational stop signal (p.Leu104Profs*45) in the DNAH9 gene. It is expected to result in an absent or disrupted protein product. Loss-of-function variants in DNAH9 are known to be pathogenic (PMID: 30471718). This variant is present in population databases (rs773305837, gnomAD 0.04%). This premature translational stop signal has been observed in individual(s) with primary ciliary dyskinesia (PMID: 30471718). In at least one individual the data is consistent with being in trans (on the opposite chromosome) from a pathogenic variant. ClinVar contains an entry for this variant (Variation ID: 523437). For these reasons, this variant has been classified as Pathogenic.

3billion
Classification: Pathogenic for Ciliary dyskinesia, primary, 40. Last evaluated: 2025-08-13. Review status: criteria provided, single submitter. Criteria: ACMG Guidelines, 2015. Collection method: clinical testing. Allele origin: germline. Affected: yes.
Comment: The variant is observed at an extremely low frequency in the gnomAD v4.1.0 dataset (total allele frequency: 0.049%). Predicted Consequence/Location: Frameshift: predicted to result in a loss or disruption of normal protein function through nonsense-mediated decay (NMD) or protein truncation. Multiple pathogenic variants are reported downstream of the variant. The variant has been reported at least twice as pathogenic with clinical assertions and evidence for the classification (ClinVar ID: VCV000523437 /PMID: 30471718 /3billion dataset). Therefore, this variant is classified as Pathogenic according to the recommendation of ACMG/AMP guideline.

First Genomix Gene Laboratory, Genetic Diagnostics Department
Classification: Pathogenic for Ciliary dyskinesia, primary, 40. Last evaluated: 2025-01-22. Review status: criteria provided, single submitter. Criteria: ACMG Guidelines, 2015. Collection method: clinical testing. Allele origin: germline. Inheritance: Autosomal recessive inheritance. Affected: no. Observed: 1 variant allele.

Blueprint Genetics
Classification: Likely pathogenic for DNAH9-related disorders. Last evaluated: 2024-10-09. Review status: criteria provided, single submitter. Criteria: ACMG Guidelines, 2015. Collection method: clinical testing. Allele origin: de novo. Affected: yes. Observed: 5 variant alleles.

ARUP Laboratories, Molecular Genetics and Genomics, ARUP Laboratories
Classification: Pathogenic for Ciliary dyskinesia, primary, 40. Last evaluated: 2024-07-11. Review status: criteria provided, single submitter. Criteria: ARUP Molecular Germline Variant Investigation Process 2024. Collection method: clinical testing. Allele origin: germline.
Comment: The DNAH9 c.308dup; p.Leu104Profs variant (rs769795916; ClinVar Variation ID: 523437) is reported in the literature in multiple individuals who also carried an additional pathogenic variant in DNAH9, and who were primarily recruited for laterality defects, congenital heart defects, or otherwise suspected of having a primary ciliary dyskinesia (Chen 2022, De Jesus-Rojas 2023, Loges 2018, Miletic 2021). This variant is found in the general population with an overall allele frequency of 0.029% (32/112,330 alleles) in the Genome Aggregation Database (v2.1.1). This variant causes a frameshift by inserting a single nucleotide in exon 1 (of 69), so it is predicted to result in a truncated protein or mRNA subject to nonsense-mediated decay. Based on available information, this variant is considered to be pathogenic. References: Chen W et al. Biallelic DNAH9 mutations are identified in Chinese patients with defective left-right patterning and cilia-related complex congenital heart disease. Hum Genet. 2022 Aug;141(8):1339-1353. PMID: 35050399. De Jesus-Rojas W et al. The Genetics of Primary Ciliary Dyskinesia in Puerto Rico. Diagnostics (Basel). 2022 May 2;12(5):1127. PMID: 35626283. Loges NT et al. Recessive DNAH9 Loss-of-Function Mutations Cause Laterality Defects and Subtle Respiratory Ciliary-Beating Defects. Am J Hum Genet. 2018 Dec 6;103(6):995-1008. PMID: 30471718. Miletic A et al. Genetic evaluation of newborns with critical congenital heart defects admitted to the intensive care unit. Eur J Pediatr. 2021 Oct;180(10):3219-3227. PMID: 33963417.

CeGaT Center for Human Genetics Tuebingen
Classification: Pathogenic. Last evaluated: 2023-08-01. Review status: criteria provided, single submitter. Criteria: CeGaT Center For Human Genetics Tuebingen Variant Classification Criteria Version 2. Collection method: clinical testing. Allele origin: germline. Affected: yes. Observed: 1 variant allele.
Comment: DNAH9: PVS1, PM2

Revvity Omics, Revvity
Classification: Pathogenic for Ciliary dyskinesia, primary, 40. Last evaluated: 2023-03-30. Review status: criteria provided, single submitter. Criteria: ACMG Guidelines, 2015. Collection method: clinical testing. Allele origin: germline.

Department of Pathology and Laboratory Medicine, Sinai Health System
Classification: Pathogenic for Ciliary dyskinesia, primary, 40. Last evaluated: 2023-02-24. Review status: criteria provided, single submitter. Criteria: ACMG Guidelines, 2015. Collection method: research. Allele origin: germline.

Genetics and Molecular Pathology, SA Pathology
Classification: Pathogenic for Ciliary dyskinesia, primary, 40. Last evaluated: 2023-02-20. Review status: criteria provided, single submitter. Criteria: ACMG Guidelines, 2015. Collection method: clinical testing. Allele origin: germline. Inheritance: Autosomal recessive inheritance. Affected: yes.
Comment: The DNAH9 c.308dup variant is classified as PATHOGENIC (PVS1, PS4_Moderate, PM2_Supporting) The DNAH9 c.308dup variant is located in exon 1/69 and is predicted to cause a shift in the reading frame at codon 104, leading to the introduction of a premature stop codon (PVS1). The variant has been reported in probands with laterality defects in HGMD (CI1818798) (PS4_Moderate). This variant is present at low frequency in population databases (gnomAD allele frequency = 0.030%; 47 het and 0 hom in 152112 sequenced alleles; highest frequency = 0.045%, Non-Finnish European population) (PM2_Supporting). The variant has been reported in dbSNP (rs769795916) and in the HGMD database: CI1818798. It has been reported as pathogenic by other diagnostic laboratories (ClinVar Variation ID: 523437).

Juno Genomics, Hangzhou Juno Genomics, Inc
Classification: Pathogenic for Ciliary dyskinesia, primary, 40. Review status: criteria provided, single submitter. Criteria: ACMG Guidelines, 2015. Collection method: clinical testing. Allele origin: germline.
Comment: Absent from controls (or at extremely low frequency if recessive) in Genome Aggregation Database.;Null variant in a gene where loss of function (LOF) is a known mechanism of disease.;For recessive disorders, detected in trans with a pathogenic variant.

Institute of Human Genetics, University of Wuerzburg
Classification: Likely pathogenic for Hydrocephalus. Review status: no assertion criteria provided. Collection method: clinical testing. Allele origin: unknown. Not counted in ClinVar's aggregate classification.

Centre for Mendelian Genomics, University Medical Centre Ljubljana
Classification: Uncertain significance for Abnormal cardiovascular system morphology. Last evaluated: 2017-01-01. Review status: flagged submission. Criteria: ACMG Guidelines, 2015. Collection method: clinical testing. Allele origin: unknown. Affected: yes. Not counted in ClinVar's aggregate classification.
ClinVar note: Reason: Outlier claim with insufficient supporting evidence

Centre for Mendelian Genomics, University Medical Centre Ljubljana
Classification: Uncertain significance for Ciliary dyskinesia, primary, 40. Last evaluated: 2016-01-01. Review status: flagged submission. Criteria: ACMG Guidelines, 2015. Collection method: clinical testing. Allele origin: unknown. Affected: yes. Not counted in ClinVar's aggregate classification.
Comment: This variant was classified as: Uncertain significance.
ClinVar note: Reason: Outlier claim with insufficient supporting evidence

Literature cited by the submitters: PubMed 30471718 (cited by Labcorp Genetics (formerly Invitae), Labcorp and 3billion).